The following is an entry in ClinVar:

NM_015650.4(TRAF3IP1):c.1802G>C (p.Gly601Ala)

Gene: TRAF3IP1 (TRAF3 interacting protein 1; plus strand). Cytogenetic location: 2q37.3.
Variant type: single nucleotide variant.
Coding change: c.1802G>C on transcript NM_015650.4 (MANE Select); coding-DNA position 1802, G replaced by C.
Protein change: p.Gly601Ala; replaces glycine 601 with alanine.
Molecular consequence: missense variant.
Genome position (GRCh38, 1-based): chr2:238,397,571, G>C. VCF-style: chr2-238397571-G-C. GRCh37 (hg19) VCF-style: chr2-239306212-G-C.
Other names: c.1604G>C, p.Gly535Ala (NM_001139490.1); short protein forms G535A, G601A.
Identifiers: ClinVar variation 1716123 (VCV001716123.5), dbSNP rs2469853057, ClinGen allele CA351246238.

ClinVar aggregate classification (germline): Uncertain significance (1 of 4 stars; one submission).

Submission:

Labcorp Genetics (formerly Invitae), Labcorp
Classification: Uncertain significance. Last evaluated: 2022-11-15. Review status: criteria provided, single submitter. Criteria: Invitae Variant Classification Sherloc (09022015). Collection method: clinical testing. Allele origin: germline.
Comment: Advanced modeling of protein sequence and biophysical properties (such as structural, functional, and spatial information, amino acid conservation, physicochemical variation, residue mobility, and thermodynamic stability) performed at Invitae indicates that this missense variant is expected to disrupt TRAF3IP1 protein function. This variant has not been reported in the literature in individuals affected with TRAF3IP1-related conditions. This variant is not present in population databases (gnomAD no frequency). This sequence change replaces glycine, which is neutral and non-polar, with alanine, which is neutral and non-polar, at codon 601 of the TRAF3IP1 protein (p.Gly601Ala). In summary, the available evidence is currently insufficient to determine the role of this variant in disease. Therefore, it has been classified as a Variant of Uncertain Significance.